The following is an entry in ClinVar:

NM_001631.5(ALPI):c.487G>A (p.Gly163Arg)

Gene: ALPI (alkaline phosphatase, intestinal; plus strand). Cytogenetic location: 2q37.1.
Variant type: single nucleotide variant.
Coding change: c.487G>A on transcript NM_001631.5 (MANE Select); coding-DNA position 487, G replaced by A.
Protein change: p.Gly163Arg; replaces glycine 163 with arginine.
Molecular consequence: missense variant.
Genome position (GRCh38, 1-based): chr2:232,457,161, G>A. VCF-style: chr2-232457161-G-A. GRCh37 (hg19) VCF-style: chr2-233321871-G-A.
Other names: short protein forms G163R.
Identifiers: ClinVar variation 2628902 (VCV002628902.1), dbSNP rs773517600, ClinGen allele CA2166395.

ClinVar aggregate classification (germline): Uncertain significance (1 of 4 stars; one submission).

Conditions:
ALPI-related disorder. Also called: ALPI-related condition.

Allele frequency attached by ClinVar (database versions not stated): gnomAD 0.00001; gnomAD exomes 0.00001; ExAC 0.00003.

Submission:

PreventionGenetics, part of Exact Sciences
Classification: Uncertain significance for ALPI-related condition. Last evaluated: 2023-07-13. Review status: criteria provided, single submitter. Criteria: ACMG Guidelines, 2015. Collection method: clinical testing. Allele origin: germline.
Comment: The ALPI c.487G>A variant is predicted to result in the amino acid substitution p.Gly163Arg. To our knowledge, this variant has not been reported in the literature. This variant is reported in 0.013% of alleles in individuals of South Asian descent in gnomAD. At this time, the clinical significance of this variant is uncertain due to the absence of conclusive functional and genetic evidence.